The following is an entry in ClinVar:

NM_033004.4(NLRP1):c.3133+1G>T

Gene: NLRP1 (NLR family pyrin domain containing 1; minus strand). Cytogenetic location: 17p13.2.
Variant type: single nucleotide variant.
Coding change: c.3133+1G>T on transcript NM_033004.4 (MANE Select); the canonical splice donor site of the intron after coding-DNA position 3133, G replaced by T.
Molecular consequence: splice donor variant. On other transcripts: missense variant (1).
Genome position (GRCh38, 1-based): chr17:5,533,303, C>A on the plus strand (G>T on the coding strand, the complement: NLRP1 is on the minus strand). VCF-style: chr17-5533303-C-A. GRCh37 (hg19) VCF-style: chr17-5436623-C-A.
Other names: c.3134G>T, p.Gly1045Val (NM_001033053.3); c.3043+1G>T (NM_033007.4, NM_033006.4); c.3133+1G>T (NM_014922.5); short protein forms G1045V.
Identifiers: ClinVar variation 2880272 (VCV002880272.3), dbSNP rs750659307, ClinGen allele CA8326931.

ClinVar aggregate classification (germline): Uncertain significance (1 of 4 stars; one submission).

Allele frequency attached by ClinVar (database versions not stated): ExAC 0.00005.
gnomAD v4.1: 5 of 1,549,040 alleles (0.00032%); highest among the groups gnomAD compares: South Asian, 0.006%; no homozygotes.

Submission:

Labcorp Genetics (formerly Invitae), Labcorp
Classification: Uncertain significance. Last evaluated: 2025-12-17. Review status: criteria provided, single submitter. Criteria: Invitae Variant Classification Sherloc (09022015). Collection method: clinical testing. Allele origin: germline.
Comment: This sequence change affects a donor splice site in intron 10 of the NLRP1 gene. It is expected to disrupt RNA splicing. Variants that disrupt the donor or acceptor splice site typically lead to a loss of protein function (PMID: 16199547), however the current clinical and genetic evidence is not sufficient to establish whether loss-of-function variants in NLRP1 cause disease. This variant is present in population databases (rs750659307, gnomAD 0.02%), including at least one homozygous and/or hemizygous individual. This variant has not been reported in the literature in individuals affected with NLRP1-related conditions. ClinVar contains an entry for this variant (Variation ID: 2880272). Algorithms developed to predict the effect of sequence changes on RNA splicing suggest that this variant may disrupt the consensus splice site. In summary, the available evidence is currently insufficient to determine the role of this variant in disease. Therefore, it has been classified as a Variant of Uncertain Significance.

Literature cited by the submitters: PubMed 16199547.